The following is an entry in ClinVar:

NM_000404.4(GLB1):c.77A>G (p.Asn26Ser)

Gene: GLB1 (galactosidase beta 1; minus strand). Cytogenetic location: 3p22.3.
Variant type: single nucleotide variant.
Coding change: c.77A>G on transcript NM_000404.4 (MANE Select); coding-DNA position 77, A replaced by G.
Protein change: p.Asn26Ser; replaces asparagine 26 with serine.
Molecular consequence: missense variant. On other transcripts: 5 prime UTR variant (1).
Genome position (GRCh38, 1-based): chr3:33,072,712, T>C on the plus strand (A>G on the coding strand, the complement: GLB1 is on the minus strand). VCF-style: chr3-33072712-T-C. GRCh37 (hg19) VCF-style: chr3-33114204-T-C.
Other names: c.-14A>G (NM_001079811.3); c.77A>G, p.Asn26Ser (NM_001135602.3, NM_001393580.1); c.221A>G, p.Asn74Ser (NM_001317040.2); short protein forms N26S, N74S.
Identifiers: ClinVar variation 3761955 (VCV003761955.3).

ClinVar aggregate classification (germline): Uncertain significance. Review status: criteria provided, multiple submitters, no conflicts (2 of 4 stars). 2 submissions from 2 submitters: Uncertain significance (2). Last evaluated 2025-03-13.

Conditions:
Mucopolysaccharidosis, MPS-IV-B (MPS4B). Also called: MORQUIO SYNDROME B; Mucopolysaccharidosis type IV B; Mucopolysaccharidosis type IVB (Morquio); MPS IVB; Mucopolysaccharidosis Type IVB; Mucopolysaccharidosis Type IVB (Morquio B Disease). Identifiers: Orphanet 309310, Orphanet 582, MedGen C0086652, MONDO:0009660, OMIM 253010.
GM1 gangliosidosis. Identifiers: Orphanet 354, MedGen C0085131, MONDO:0018149.

gnomAD v4.1: 3 of 1,614,136 alleles (0.00019%); highest among the groups gnomAD compares: African/African-American, 0.0027%; no homozygotes.

Submissions (2):

Labcorp Genetics (formerly Invitae), Labcorp
Classification: Uncertain significance for Mucopolysaccharidosis, MPS-IV-B; GM1 gangliosidosis. Last evaluated: 2025-03-13. Review status: criteria provided, single submitter. Criteria: Invitae Variant Classification Sherloc (09022015). Collection method: clinical testing. Allele origin: germline.
Comment: This sequence change replaces asparagine, which is neutral and polar, with serine, which is neutral and polar, at codon 26 of the GLB1 protein (p.Asn26Ser). This variant is not present in population databases (gnomAD no frequency). This variant has not been reported in the literature in individuals affected with GLB1-related conditions. An algorithm developed to predict the effect of missense changes on protein structure and function (PolyPhen-2) suggests that this variant is likely to be tolerated. In summary, the available evidence is currently insufficient to determine the role of this variant in disease. Therefore, it has been classified as a Variant of Uncertain Significance.

Blueprint Genetics
Classification: Uncertain significance. Last evaluated: 2023-10-30. Review status: criteria provided, single submitter. Criteria: ACMG Guidelines, 2015. Collection method: clinical testing. Allele origin: germline.